The following is an entry in ClinVar:

NM_012463.4(ATP6V0A2):c.1831_1832delinsA (p.Val611fs)

Genes: ATP6V0A2 (ATPase H+ transporting V0 subunit a2; plus strand), LOC126861666 (CDK7 strongly-dependent group 2 enhancer GRCh37_chr12:124232793-124233992; plus strand). Cytogenetic location: 12q24.31.
Variant type: Indel.
Coding change: c.1831_1832delinsA on transcript NM_012463.4 (MANE Select); coding-DNA positions 1831 to 1832, GT replaced by A.
Protein change: p.Val611fs; shifts the reading frame from valine 611.
Molecular consequence: frameshift variant.
Genome position (GRCh38, 1-based): chr12:123,748,681-123,748,682, GT replaced by A. VCF-style: chr12-123748681-GT-A. GRCh37 (hg19) VCF-style: chr12-124233228-GT-A.
Other names: short protein forms V611fs.
Identifiers: ClinVar variation 972437 (VCV000972437.1), dbSNP rs1956686080, ClinGen allele CA1139662956.
Genomic context (GRCh38, chr12:123,748,681, plus strand): 5'-CTTCTCTTCATGCTCTGTATCTTTGGATACCTTATATTTATGATTTTCTACAAGTGGCTG[GT>A]TTTTTCAGCAGAAACCTCCAGAGTTGCTCCCAGCATTCTGATTGAATTTATTAACATGTT-3'

ClinVar aggregate classification (germline): Pathogenic (1 of 4 stars; one submission).

Conditions:
ALG9 congenital disorder of glycosylation (CDG1L). Also called: CONGENITAL DISORDER OF GLYCOSYLATION, TYPE Il; CDG Il; ALG9-CDG. Identifiers: Orphanet 79328, MedGen C2931006, MONDO:0012117, OMIM 608776.

Submission:

Labcorp Genetics (formerly Invitae), Labcorp
Classification: Pathogenic for ALG9 congenital disorder of glycosylation. Last evaluated: 2019-03-05. Review status: criteria provided, single submitter. Criteria: Invitae Variant Classification Sherloc (09022015). Collection method: clinical testing. Allele origin: germline.
Comment: This sequence change creates a premature translational stop signal (p.Val611Phefs*14) in the ATP6V0A2 gene. It is expected to result in an absent or disrupted protein product. This variant is not present in population databases (ExAC no frequency). This variant has not been reported in the literature in individuals with ATP6V0A2-related conditions. Loss-of-function variants in ATP6V0A2 are known to be pathogenic (PMID: 18157129, 19321599). For these reasons, this variant has been classified as Pathogenic.